The following is an entry in ClinVar:

NM_001042492.3(NF1):c.5083C>T (p.Arg1695Trp)

Gene: NF1 (neurofibromin 1; plus strand). Cytogenetic location: 17q11.2.
Variant type: single nucleotide variant.
Coding change: c.5083C>T on transcript NM_001042492.3 (MANE Select); coding-DNA position 5083, C replaced by T.
Protein change: p.Arg1695Trp; replaces arginine 1695 with tryptophan.
Molecular consequence: missense variant.
Genome position (GRCh38, 1-based): chr17:31,326,067, C>T. VCF-style: chr17-31326067-C-T. GRCh37 (hg19) VCF-style: chr17-29653085-C-T.
Other names: c.5020C>T, p.Arg1674Trp (NM_000267.4); short protein forms R1674W, R1695W.
Identifiers: ClinVar variation 577095 (VCV000577095.16), dbSNP rs1567611500, ClinGen allele CA399007509.

ClinVar aggregate classification (germline): Uncertain significance. Review status: criteria provided, multiple submitters, no conflicts (2 of 4 stars). 6 submissions from 6 submitters: Uncertain significance (6). Last evaluated 2025-10-29.

Conditions:
NF1-related disorder. Also called: NF1-related condition. Identifiers: MedGen CN379171.
Cardiovascular phenotype. Identifiers: MedGen CN230736.
Hereditary cancer-predisposing syndrome. Also called: Hereditary neoplastic syndrome; Tumor predisposition; Hereditary Cancer Syndrome; Neoplastic Syndromes, Hereditary. Identifiers: Orphanet 140162, MedGen C0027672, MeSH D009386, MONDO:0015356.
Neurofibromatosis, type 1 (NF1). Also called: Peripheral type neurofibromatosis; Neurofibromatosis, type I; VON RECKLINGHAUSEN DISEASE; NEUROFIBROMATOSIS, TYPE I, SOMATIC. Identifiers: Orphanet 636, MedGen C0027831, MONDO:0018975, OMIM 162200. Disease mechanism: loss of function.

gnomAD v4.1: 4 of 1,614,034 alleles (0.00025%); highest among the groups gnomAD compares: Non-Finnish European, 0.00025%; no homozygotes.

Submissions (6):

Ambry Genetics
Classification: Uncertain significance for Cardiovascular phenotype; Hereditary cancer-predisposing syndrome. Last evaluated: 2025-10-29. Review status: criteria provided, single submitter. Criteria: Ambry Variant Classification Scheme 2023. Collection method: clinical testing. Allele origin: germline.
Comment: The p.R1674W variant (also known as c.5020C>T), located in coding exon 36 of the NF1 gene, results from a C to T substitution at nucleotide position 5020. The arginine at codon 1674 is replaced by tryptophan, an amino acid with dissimilar properties. This amino acid position is highly conserved in available vertebrate species. In addition, this alteration is predicted to be deleterious by in silico analysis. Since supporting evidence is limited at this time, the clinical significance of this alteration remains unclear.

Labcorp Genetics (formerly Invitae), Labcorp
Classification: Uncertain significance for Neurofibromatosis, type 1. Last evaluated: 2025-09-08. Review status: criteria provided, single submitter. Criteria: Invitae Variant Classification Sherloc (09022015). Collection method: clinical testing. Allele origin: germline.
Comment: This sequence change replaces arginine, which is basic and polar, with tryptophan, which is neutral and slightly polar, at codon 1674 of the NF1 protein (p.Arg1674Trp). This variant is not present in population databases (gnomAD no frequency). This variant has not been reported in the literature in individuals affected with NF1-related conditions. ClinVar contains an entry for this variant (Variation ID: 577095). Invitae Evidence Modeling of protein sequence and biophysical properties (such as structural, functional, and spatial information, amino acid conservation, physicochemical variation, residue mobility, and thermodynamic stability) indicates that this missense variant is expected to disrupt NF1 protein function with a positive predictive value of 95%. In summary, the available evidence is currently insufficient to determine the role of this variant in disease. Therefore, it has been classified as a Variant of Uncertain Significance.

GeneDx
Classification: Uncertain significance. Last evaluated: 2024-07-24. Review status: criteria provided, single submitter. Criteria: GeneDx Variant Classification Process June 2021. Collection method: clinical testing. Allele origin: germline. Affected: yes.
Comment: Not observed at significant frequency in large population cohorts (gnomAD); In silico analysis supports that this missense variant has a deleterious effect on protein structure/function; Has not been previously published as pathogenic or benign to our knowledge

PreventionGenetics, part of Exact Sciences
Classification: Uncertain significance for NF1-related condition. Last evaluated: 2023-09-25. Review status: criteria provided, single submitter. Criteria: ACMG Guidelines, 2015. Collection method: clinical testing. Allele origin: germline.
Comment: The NF1 c.5083C>T variant is predicted to result in the amino acid substitution p.Arg1695Trp. To our knowledge, this variant has not been reported in the literature or in a large population database, indicating this variant is rare. At this time, the clinical significance of this variant is uncertain due to the absence of conclusive functional and genetic evidence.

Genome-Nilou Lab
Classification: Uncertain significance for Neurofibromatosis, type 1. Last evaluated: 2022-03-15. Review status: criteria provided, single submitter. Criteria: ACMG Guidelines, 2015. Collection method: clinical testing. Allele origin: germline. Affected: no.

Sema4
Classification: Uncertain significance for Hereditary cancer-predisposing syndrome. Last evaluated: 2021-08-06. Review status: criteria provided, single submitter. Criteria: Sema4 Curation Guidelines. Collection method: curation. Allele origin: germline.
Comment: The NF1 c.5020C>T (p.R1674W) variant has not been reported in the literature to our knowledge. It was not observed in the large and broad cohorts of the Genome Aggregation Database (PMID: 32461654). The variant has been reported in ClinVar (Variation ID 577095). Functional studies have not been performed, and in silico predictions of the variant's effect on protein function are inconclusive. The evidence is insufficient to meet ACMG/AMP criteria for classifying the variant as benign or pathogenic. Thus, the clinical significance of this variant is currently uncertain.